The following is an entry in ClinVar:

NM_030665.4(RAI1):c.3744C>T (p.Ser1248=)

Gene: RAI1 (retinoic acid induced 1; plus strand). Cytogenetic location: 17p11.2.
Variant type: single nucleotide variant.
Coding change: c.3744C>T on transcript NM_030665.4 (MANE Select); coding-DNA position 3744, C replaced by T.
Protein change: p.Ser1248=; no amino-acid change (serine 1248 retained).
Molecular consequence: synonymous variant.
Genome position (GRCh38, 1-based): chr17:17,796,692, C>T. VCF-style: chr17-17796692-C-T. GRCh37 (hg19) VCF-style: chr17-17700006-C-T.
Other names: c.3744C>T (NM_030665.3).
Identifiers: ClinVar variation 1565583 (VCV001565583.10), dbSNP rs146559460, ClinGen allele CA288370608.

ClinVar aggregate classification (germline): Likely benign. Review status: criteria provided, single submitter (1 of 4 stars). 2 submissions from 2 submitters: Likely benign (1). 1 of the submissions does not count toward it. Last evaluated 2024-07-25.

Conditions:
RAI1-related disorder. Also called: RAI1-related condition.

Allele frequency attached by ClinVar (database versions not stated): gnomAD exomes below 0.00001 and 0.00001; gnomAD 0.00002 and 0.00003; TOPMed 0.00002; ESP Exome Variant Server 0.00008.
gnomAD v4.1: 22 of 1,613,172 alleles (0.0014%); highest among the groups gnomAD compares: African/African-American, 0.008%; 1 homozygote.

Submissions (2):

Labcorp Genetics (formerly Invitae), Labcorp
Classification: Likely benign. Last evaluated: 2024-07-25. Review status: criteria provided, single submitter. Criteria: Invitae Variant Classification Sherloc (09022015). Collection method: clinical testing. Allele origin: germline.

PreventionGenetics, part of Exact Sciences
Classification: Likely benign for RAI1-related condition. Last evaluated: 2023-06-01. Review status: no assertion criteria provided. Collection method: clinical testing. Allele origin: germline. Not counted in ClinVar's aggregate classification.
Comment: This variant is classified as likely benign based on ACMG/AMP sequence variant interpretation guidelines (Richards et al. 2015 PMID: 25741868, with internal and published modifications).